The following is an entry in ClinVar:

ClinVar aggregate classification (germline): Uncertain significance (1 of 4 stars; one submission).

gnomAD v4.1: 1 of 1,211,157 alleles (0.000083%); highest among the groups gnomAD compares: Non-Finnish European, 0.00011%; no homozygotes.

Submission:

GeneDx
Classification: Uncertain significance. Last evaluated: 2024-11-08. Review status: criteria provided, single submitter. Criteria: GeneDx Variant Classification Process June 2021. Collection method: clinical testing. Allele origin: germline. Affected: yes.
Comment: Not observed at significant frequency in large population cohorts (gnomAD); In silico analysis supports that this missense variant has a deleterious effect on protein structure/function; Has not been previously published as pathogenic or benign to our knowledge

NM_181303.2(NLGN3):c.1409G>A (p.Arg470His)

Gene: NLGN3 (neuroligin 3; plus strand). Cytogenetic location: Xq13.1.
Variant type: single nucleotide variant.
Coding change: c.1409G>A on transcript NM_181303.2 (MANE Select); coding-DNA position 1409, G replaced by A.
Protein change: p.Arg470His; replaces arginine 470 with histidine.
Molecular consequence: missense variant.
Genome position (GRCh38, 1-based): chrX:71,167,506, G>A. VCF-style: chrX-71167506-G-A. GRCh37 (hg19) VCF-style: chrX-70387356-G-A.
Other names: c.1289G>A, p.Arg430His (NM_001166660.2); c.998G>A, p.Arg333His (NM_001321276.2); c.1349G>A, p.Arg450His (NM_018977.4); short protein forms R333H, R430H, R450H, R470H.
Identifiers: ClinVar variation 3898783 (VCV003898783.1).
Genomic context (GRCh38, chrX:71,167,506, plus strand): 5'-TGCGAGAGACCATCAAGTTCATGTATACAGACTGGGCAGACCGTGACAACCCTGAGACCC[G>A]CCGTAAAACACTGGTGGCACTCTTCACTGACCACCAGTGGGTGGAGCCCTCAGTGGTGAC-3'
Protein context (NP_851820.1, residues 460-480): DWADRDNPET[Arg470His]RKTLVALFTD